The following is an entry in ClinVar:

ClinVar aggregate classification (germline): Pathogenic. Review status: criteria provided, multiple submitters, no conflicts (2 of 4 stars). 2 submissions from 2 submitters: Pathogenic (2). Last evaluated 2024-04-25.

Conditions:
IFAP syndrome 1, with or without BRESHECK syndrome. Also called: ICHTHYOSIS FOLLICULARIS, ATRICHIA, AND PHOTOPHOBIA WITH OR WITHOUT BRAIN ANOMALIES, RETARDATION, ECTODERMAL DYSPLASIA, SKELETAL MALFORMATIONS, HIRSCHSPRUNG DISEASE, EAR/EYE ANOMALIES, CLEFT PALATE/CRYPTORCHIDISM, AND KIDNEY DYSPLASIA/HYPOPLASIA; IFAP syndrome with or without BRESHECK syndrome; IFAP SYNDROME 1. Identifiers: Orphanet 2273, Orphanet 85284, MedGen C5399971, MONDO:0100213, OMIM 308205.

Allele frequency attached by ClinVar (database versions not stated): gnomAD exomes below 0.00001; ExAC 0.00001.
gnomAD v4.1: 1 of 1,614,048 alleles (0.000062%); highest among the groups gnomAD compares: South Asian, 0.0011%; no homozygotes.

Submissions (2):

Labcorp Genetics (formerly Invitae), Labcorp
Classification: Pathogenic. Last evaluated: 2024-04-25. Review status: criteria provided, single submitter. Criteria: Invitae Variant Classification Sherloc (09022015). Collection method: clinical testing. Allele origin: germline.
Comment: This sequence change replaces asparagine, which is neutral and polar, with aspartic acid, which is acidic and polar, at codon 176 of the GJB2 protein (p.Asn176Asp). This variant is present in population databases (rs781767722, gnomAD 0.003%). This missense change has been observed in individuals with ichthyosis follicularis and sensorineural hearing loss (PMID: 30431684, 35396755). ClinVar contains an entry for this variant (Variation ID: 590275). Advanced modeling of protein sequence and biophysical properties (such as structural, functional, and spatial information, amino acid conservation, physicochemical variation, residue mobility, and thermodynamic stability) performed at Invitae indicates that this missense variant is expected to disrupt GJB2 protein function with a positive predictive value of 95%. Experimental studies are conflicting or provide insufficient evidence to determine the effect of this variant on GJB2 function (PMID: 30431684). For these reasons, this variant has been classified as Pathogenic.

Uitto Lab, Thomas Jefferson University
Classification: Pathogenic for IFAP syndrome 1, with or without BRESHECK syndrome. Last evaluated: 2018-08-02. Review status: criteria provided, single submitter. Criteria: ACMG Guidelines, 2015. Collection method: clinical testing. Allele origin: germline. Inheritance: Autosomal recessive inheritance. Affected: yes. Observed: 3 variant alleles, 3 compound heterozygotes.
Comment: Ichthyosis follicularis, a distinct cutaneous entity reported in combination with atrichia, and photophobia has been associated with mutations in MBTPS2. We sought the genetic cause of a novel syndrome of ichthyosis follicularis, bilateral severe sensorineural hearing loss and punctate palmoplantar keratoderma in two families. We performed whole exome sequencing on three patients from two families. The pathogenicity and consequences of mutations were studied in Xenopus oocyte expression system and by molecular dynamics simulation analysis. Compound heterozygous mutations in the GJB2 gene were discovered: a pathogenic c.526A>G; p.Asn176Asp, and a common frameshift mutation, c.35delG; p.Gly12ValfsTer2. The p.Asn176Asp mutation was demonstrated to significantly reduce the cell-cell gap junction channel activity and increase the non-junctional hemichannel activity in the Xenopus oocyte expression system. Molecular dynamics simulation analyses of the mutant Cx26 protein revealed significant changes in the structural characteristics and electrostatic potential of the Cx26, either in hemichannel or gap junction conformation. Thus, associate a new entity of an autosomal recessive disorder of ichthyosis follicularis, bilateral severe sensorineural hearing loss and punctate palmoplantar keratoderma with mutations in GJB2, expanding the phenotypic spectrum of the GJB2-associated disorders. The findings attest to the complexity of the clinical consequences of different mutations in GJB2.

Literature cited by the submitters: PubMed 30431684 (cited by Labcorp Genetics (formerly Invitae), Labcorp); PubMed 35396755 (cited by Labcorp Genetics (formerly Invitae), Labcorp).

NM_004004.6(GJB2):c.526A>G (p.Asn176Asp)

Gene: GJB2 (gap junction protein beta 2; minus strand). Cytogenetic location: 13q12.11.
Variant type: single nucleotide variant.
Coding change: c.526A>G on transcript NM_004004.6 (MANE Select); coding-DNA position 526, A replaced by G.
Protein change: p.Asn176Asp; replaces asparagine 176 with aspartic acid.
Molecular consequence: missense variant.
Genome position (GRCh38, 1-based): chr13:20,189,056, T>C on the plus strand (A>G on the coding strand, the complement: GJB2 is on the minus strand). VCF-style: chr13-20189056-T-C. GRCh37 (hg19) VCF-style: chr13-20763195-T-C.
Other names: short protein forms N176D.
Identifiers: ClinVar variation 590275 (VCV000590275.9), dbSNP rs781767722, ClinGen allele CA6904245.